The following is an entry in ClinVar:

ClinVar aggregate classification (germline): Conflicting classifications of pathogenicity. Review status: criteria provided, conflicting classifications (1 of 4 stars). 3 submissions from 3 submitters: Uncertain significance (2); Likely benign (1). Last evaluated 2026-03-19.

Conditions:
Saldino-Mainzer syndrome (SRTD9). Also called: Renal dysplasia, retinal pigmentary dystrophy, cerebellar ataxia and skeletal dysplasia; SHORT-RIB THORACIC DYSPLASIA 9 WITHOUT POLYDACTYLY; short-rib thoracic dysplasia 9 with or without polydactyly; CONORENAL SYNDROME. Identifiers: Orphanet 140969, MedGen C1849437, MONDO:0009964, OMIM 266920.

Allele frequency attached by ClinVar (database versions not stated): TOPMed 0.00002; gnomAD exomes 0.00006; ExAC 0.00007.
gnomAD v4.1: 33 of 1,610,638 alleles (0.002%); highest among the groups gnomAD compares: South Asian, 0.033%; no homozygotes.

Submissions (3):

GeneDx
Classification: Uncertain significance. Last evaluated: 2026-03-19. Review status: criteria provided, single submitter. Criteria: GeneDx Variant Classification Process June 2021. Collection method: clinical testing. Allele origin: germline.
Comment: In silico analysis suggests that this missense variant does not alter protein structure/function; Has not been previously published as pathogenic or benign germline variant to our knowledge; This variant is associated with the following publications: (PMID: 32579932)

Labcorp Genetics (formerly Invitae), Labcorp
Classification: Likely benign for Saldino-Mainzer syndrome. Last evaluated: 2023-02-03. Review status: criteria provided, single submitter. Criteria: Invitae Variant Classification Sherloc (09022015). Collection method: clinical testing. Allele origin: germline.

Blueprint Genetics
Classification: Uncertain significance. Last evaluated: 2019-03-29. Review status: criteria provided, single submitter. Criteria: ACMG Guidelines, 2015. Collection method: clinical testing. Allele origin: germline.

NM_014714.4(IFT140):c.920G>A (p.Arg307Gln)

Genes: IFT140 (intraflagellar transport 140; minus strand), LOC105371046 (uncharacterized LOC105371046; plus strand). Cytogenetic location: 16p13.3.
Variant type: single nucleotide variant.
Coding change: c.920G>A on transcript NM_014714.4 (MANE Select); coding-DNA position 920, G replaced by A.
Protein change: p.Arg307Gln; replaces arginine 307 with glutamine.
Molecular consequence: missense variant.
Genome position (GRCh38, 1-based): chr16:1,587,287, C>T on the plus strand (G>A on the coding strand, the complement: IFT140 is on the minus strand). VCF-style: chr16-1587287-C-T. GRCh37 (hg19) VCF-style: chr16-1637288-C-T.
Other names: short protein forms R307Q.
Identifiers: ClinVar variation 865908 (VCV000865908.6), dbSNP rs780666037, ClinGen allele CA7814491.